The following is an entry in ClinVar:

ClinVar aggregate classification (germline): Uncertain significance (1 of 4 stars; one submission).

Submission:

Labcorp Genetics (formerly Invitae), Labcorp
Classification: Uncertain significance. Last evaluated: 2021-10-08. Review status: criteria provided, single submitter. Criteria: Invitae Variant Classification Sherloc (09022015). Collection method: clinical testing. Allele origin: germline.
Comment: This variant is not present in population databases (ExAC no frequency). In summary, the available evidence is currently insufficient to determine the role of this variant in disease. Therefore, it has been classified as a Variant of Uncertain Significance. Advanced modeling of protein sequence and biophysical properties (such as structural, functional, and spatial information, amino acid conservation, physicochemical variation, residue mobility, and thermodynamic stability) performed at Invitae indicates that this missense variant is not expected to disrupt COL2A1 protein function. This variant has not been reported in the literature in individuals affected with COL2A1-related conditions. This sequence change replaces phenylalanine with valine at codon 82 of the COL2A1 protein (p.Phe82Val). The phenylalanine residue is highly conserved and there is a small physicochemical difference between phenylalanine and valine.

NM_001844.5(COL2A1):c.244T>G (p.Phe82Val)

Gene: COL2A1 (collagen type II alpha 1 chain; minus strand). Cytogenetic location: 12q13.11.
Variant type: single nucleotide variant.
Coding change: c.244T>G on transcript NM_001844.5 (MANE Select); coding-DNA position 244, T replaced by G.
Protein change: p.Phe82Val; replaces phenylalanine 82 with valine.
Molecular consequence: missense variant. On other transcripts: intron variant (1).
Genome position (GRCh38, 1-based): chr12:47,999,967, A>C on the plus strand (T>G on the coding strand, the complement: COL2A1 is on the minus strand). VCF-style: chr12-47999967-A-C. GRCh37 (hg19) VCF-style: chr12-48393750-A-C.
Other names: c.86-1536T>G (NM_033150.3); short protein forms F82V.
Identifiers: ClinVar variation 1472295 (VCV001472295.6), dbSNP rs2136636961, ClinGen allele CA384525993.